The following is an entry in ClinVar:

NM_001144869.3(LIPT2):c.43C>T (p.Pro15Ser)

Genes: LIPT2 (lipoyl(octanoyl) transferase 2; minus strand), LIPT2-AS1 (LIPT2 antisense RNA 1; plus strand). Cytogenetic location: 11q13.4.
Variant type: single nucleotide variant.
Coding change: c.43C>T on transcript NM_001144869.3 (MANE Select); coding-DNA position 43, C replaced by T.
Protein change: p.Pro15Ser; replaces proline 15 with serine.
Molecular consequence: missense variant. On other transcripts: non-coding transcript variant (1).
Genome position (GRCh38, 1-based): chr11:74,493,661, G>A on the plus strand (C>T on the coding strand, the complement: LIPT2 is on the minus strand). VCF-style: chr11-74493661-G-A. GRCh37 (hg19) VCF-style: chr11-74204706-G-A.
Other names: c.43C>T, p.Pro15Ser (NM_001329941.2, NM_001329942.2); short protein forms P15S.
Identifiers: ClinVar variation 2176278 (VCV002176278.4), dbSNP rs901197909, ClinGen allele CA224979338.
Genomic context (GRCh38, chr11:74,493,661, plus strand): 5'-CTGGCTCGGCCTGCAGCCGCCGCAGCCAGCGGTCCTGCAGCCCCAGTAGCTCGGCGTACG[G>A]CACCCGACCCAGGCGCACCAACCGAACGGCGGGTTGCCGCATCGTGCCCACCGTTGCGTC-3'
Protein context (NP_001138341.1, residues 5-25): AVRLVRLGRV[Pro15Ser]YAELLGLQDR

ClinVar aggregate classification (germline): Uncertain significance (1 of 4 stars; one submission).

Allele frequency attached by ClinVar (database versions not stated): gnomAD 0.00003; TOPMed 0.00004.
gnomAD v4.1: 12 of 1,434,518 alleles (0.00084%); highest among the groups gnomAD compares: Non-Finnish European, 0.0011%; no homozygotes.

Submission:

Labcorp Genetics (formerly Invitae), Labcorp
Classification: Uncertain significance. Last evaluated: 2023-08-10. Review status: criteria provided, single submitter. Criteria: Invitae Variant Classification Sherloc (09022015). Collection method: clinical testing. Allele origin: germline.
Comment: In summary, the available evidence is currently insufficient to determine the role of this variant in disease. Therefore, it has been classified as a Variant of Uncertain Significance. An algorithm developed to predict the effect of missense changes on protein structure and function (PolyPhen-2) suggests that this variant is likely to be tolerated. This variant has not been reported in the literature in individuals affected with LIPT2-related conditions. ClinVar contains an entry for this variant (Variation ID: 2176278). The frequency data for this variant in the population databases is considered unreliable, as metrics indicate poor data quality at this position in the gnomAD database. This sequence change replaces proline, which is neutral and non-polar, with serine, which is neutral and polar, at codon 15 of the LIPT2 protein (p.Pro15Ser).